The following is an entry in ClinVar:

NM_005591.4(MRE11):c.2058T>G (p.Phe686Leu)

Gene: MRE11 (MRE11 double strand break repair nuclease; minus strand). Cytogenetic location: 11q21.
Variant type: single nucleotide variant.
Coding change: c.2058T>G on transcript NM_005591.4 (MANE Select); coding-DNA position 2058, T replaced by G.
Protein change: p.Phe686Leu; replaces phenylalanine 686 with leucine.
Molecular consequence: missense variant.
Genome position (GRCh38, 1-based): chr11:94,429,923, A>C on the plus strand (T>G on the coding strand, the complement: MRE11 is on the minus strand). VCF-style: chr11-94429923-A-C. GRCh37 (hg19) VCF-style: chr11-94163089-A-C.
Other names: c.2055T>G, p.Phe685Leu (NM_001330347.2); c.1974T>G, p.Phe658Leu (NM_005590.4); short protein forms F686L, F685L, F658L.
Identifiers: ClinVar variation 232271 (VCV000232271.5), dbSNP rs876659663, ClinGen allele CA10579354.

ClinVar aggregate classification (germline): Uncertain significance (1 of 4 stars; one submission).

Conditions:
Hereditary cancer-predisposing syndrome. Also called: Neoplastic Syndromes, Hereditary; Tumor predisposition; Hereditary Cancer Syndrome; Hereditary neoplastic syndrome. Identifiers: Orphanet 140162, MedGen C0027672, MeSH D009386, MONDO:0015356.

Submission:

Ambry Genetics
Classification: Uncertain significance for Hereditary cancer-predisposing syndrome. Last evaluated: 2015-06-08. Review status: criteria provided, single submitter. Criteria: Ambry Variant Classification Scheme 2023. Collection method: clinical testing. Allele origin: germline.
Comment: The p.F686L variant (also known as c.2058T>G), located in coding exon 18 of the MRE11A gene, results from a T to G substitution at nucleotide position 2058. The phenylalanine at codon 686 is replaced by leucine, an amino acid with highly similar properties. This variant was not reported in population based cohorts in the following databases: Database of Single Nucleotide Polymorphisms (dbSNP), NHLBI Exome Sequencing Project (ESP), and 1000 Genomes Project. In the ESP, this variant was not observed in 6499 samples (12998 alleles) with coverage at this position. To date, this alteration has been detected with an allele frequency of approximately 0.002% (greater than 65000 alleles tested) in our clinical cohort. This amino acid position is highly conserved in available vertebrate species. In addition, the in silico prediction for this alteration is inconclusive. Since supporting evidence is limited at this time, the clinical significance of p.F686L remains unclear.